The following is an entry in ClinVar:

ClinVar aggregate classification (germline): Conflicting classifications of pathogenicity. Review status: criteria provided, conflicting classifications (1 of 4 stars). 15 submissions from 14 submitters: Uncertain significance (2); Benign (1); Likely benign (9). 3 of the submissions do not count toward it. Last evaluated 2026-01-06.

Conditions:
PRKAG2-related disorder. Also called: PRKAG2-related condition; PRKAG2-related disorders.
Cardiovascular phenotype. Identifiers: MedGen CN230736.
Cardiomyopathy (CMYO). Also called: Cardiomyopathies. Identifiers: Orphanet 167848, MedGen C0878544, MONDO:0004994, HP:0001638. Inheritance: Various modes of inheritance.
Wolff-Parkinson-White pattern. Also called: Auriculoventricular accessory pathway syndrome; False bundle branch block syndrome; Anomalous ventricular excitation syndrome; WPW SYNDROME. Identifiers: MedGen C0043202, MONDO:0008685, OMIM 194200, HP:0001716.
Hypertrophic cardiomyopathy 6. Identifiers: MedGen C1833236, MONDO:0010946, OMIM 600858.
Lethal congenital glycogen storage disease of heart. Also called: GLYCOGEN STORAGE DISEASE OF HEART; PHOSPHORYLASE KINASE DEFICIENCY OF HEART. Identifiers: Orphanet 439854, MedGen C1849813, MONDO:0009867, OMIM 261740.
Hypertrophic cardiomyopathy. Also called: HYPERTROPHIC MYOCARDIOPATHY. Identifiers: Orphanet 217569, MedGen C0007194, MeSH D002312, MONDO:0005045, HP:0001639.

Allele frequency attached by ClinVar (database versions not stated): gnomAD 0.00004; gnomAD exomes 0.00005 and 0.00014; TOPMed 0.00006; ExAC 0.00008.
gnomAD v4.1: 212 of 1,613,960 alleles (0.013%); highest among the groups gnomAD compares: Non-Finnish European, 0.017%; no homozygotes.

Submissions (15):

Labcorp Genetics (formerly Invitae), Labcorp
Classification: Likely benign for Lethal congenital glycogen storage disease of heart. Last evaluated: 2026-01-06. Review status: criteria provided, single submitter. Criteria: Invitae Variant Classification Sherloc (09022015). Collection method: clinical testing. Allele origin: germline.

Women's Health and Genetics/Laboratory Corporation of America, LabCorp
Classification: Benign. Last evaluated: 2025-09-19. Review status: criteria provided, single submitter. Criteria: LabCorp Variant Classification Summary - May 2015. Collection method: clinical testing. Allele origin: germline.

Molecular Diagnostic Laboratory for Inherited Cardiovascular Disease, Montreal Heart Institute
Classification: Likely benign. Last evaluated: 2025-04-09. Review status: criteria provided, single submitter. Criteria: ACMG Guidelines, 2015. Collection method: clinical testing. Allele origin: germline. Affected: no.

Blueprint Genetics
Classification: Likely benign. Last evaluated: 2024-04-26. Review status: criteria provided, single submitter. Criteria: ACMG Guidelines, 2015. Collection method: clinical testing. Allele origin: germline.

All of Us Research Program, National Institutes of Health
Classification: Likely benign for Hypertrophic cardiomyopathy. Last evaluated: 2024-02-05. Review status: criteria provided, single submitter. Criteria: ACMG Guidelines, 2015. Collection method: clinical testing. Allele origin: germline. Inheritance: Autosomal dominant inheritance. Observed: 18 variant alleles, 18 heterozygotes.
Comment: This study involves interpretation of variants in research participants for the purpose of population health screening. Participant phenotype was not available at the time of variant classification. Additional details can be found in publication PMID: 35346344, PMCID: PMC8962531

GeneDx
Classification: Likely benign. Last evaluated: 2020-09-10. Review status: criteria provided, single submitter. Criteria: GeneDx Variant Classification Process June 2021. Collection method: clinical testing. Allele origin: germline. Affected: yes.

CHEO Genetics Diagnostic Laboratory, Children's Hospital of Eastern Ontario
Classification: Likely benign for Cardiomyopathy. Last evaluated: 2020-04-24. Review status: criteria provided, single submitter. Criteria: ACMG Guidelines, 2015. Collection method: clinical testing. Allele origin: germline.

Ambry Genetics
Classification: Likely benign for Cardiovascular phenotype. Last evaluated: 2019-08-20. Review status: criteria provided, single submitter. Criteria: Ambry Variant Classification Scheme 2023. Collection method: clinical testing. Allele origin: germline.

Color Diagnostics, LLC DBA Color Health
Classification: Likely benign for Cardiomyopathy. Last evaluated: 2018-10-22. Review status: criteria provided, single submitter. Criteria: ACMG Guidelines, 2015. Collection method: clinical testing. Allele origin: germline.

Illumina Laboratory Services, Illumina
Classification: Uncertain significance for Wolff-Parkinson-White pattern. Last evaluated: 2018-01-13. Review status: criteria provided, single submitter. Criteria: ICSL Variant Classification Criteria 13 December 2019. Collection method: clinical testing. Allele origin: germline.

Illumina Laboratory Services, Illumina
Classification: Uncertain significance for Hypertrophic cardiomyopathy 6. Last evaluated: 2018-01-13. Review status: criteria provided, single submitter. Criteria: ICSL Variant Classification Criteria 13 December 2019. Collection method: clinical testing. Allele origin: germline.

Laboratory for Molecular Medicine, Mass General Brigham Personalized Medicine
Classification: Likely benign. Last evaluated: 2008-04-14. Review status: criteria provided, single submitter. Criteria: LMM Criteria. Collection method: clinical testing. Allele origin: germline. Observed: 2 variant alleles.

PreventionGenetics, part of Exact Sciences
Classification: Likely benign for PRKAG2-related condition. Last evaluated: 2020-09-03. Review status: no assertion criteria provided. Collection method: clinical testing. Allele origin: germline. Not counted in ClinVar's aggregate classification.
Comment: This variant is classified as likely benign based on ACMG/AMP sequence variant interpretation guidelines (Richards et al. 2015 PMID: 25741868, with internal and published modifications).

Clinical Genetics, Academic Medical Center
Classification: Benign. Review status: no assertion criteria provided. Collection method: clinical testing. Allele origin: germline. Affected: yes. Study: VKGL Data-share Consensus. Not counted in ClinVar's aggregate classification.

Diagnostic Laboratory, Department of Genetics, University Medical Center Groningen
Classification: Likely benign. Review status: no assertion criteria provided. Collection method: clinical testing. Allele origin: germline. Affected: yes. Study: VKGL Data-share Consensus. Not counted in ClinVar's aggregate classification.

NM_016203.4(PRKAG2):c.312C>T (p.Thr104=)

Gene: PRKAG2 (protein kinase AMP-activated non-catalytic subunit gamma 2; minus strand). Cytogenetic location: 7q36.1.
Variant type: single nucleotide variant.
Coding change: c.312C>T on transcript NM_016203.4 (MANE Select); coding-DNA position 312, C replaced by T.
Protein change: p.Thr104=; no amino-acid change (threonine 104 retained).
Molecular consequence: synonymous variant.
Genome position (GRCh38, 1-based): chr7:151,781,306, G>A on the plus strand (C>T on the coding strand, the complement: PRKAG2 is on the minus strand). VCF-style: chr7-151781306-G-A. GRCh37 (hg19) VCF-style: chr7-151478392-G-A.
Other names: c.180C>T, p.Thr60= (NM_001040633.2).
Identifiers: ClinVar variation 45713 (VCV000045713.33), dbSNP rs397517268, ClinGen allele CA014122.